The following is an entry in ClinVar:

ClinVar aggregate classification (germline): Conflicting classifications of pathogenicity. Review status: criteria provided, conflicting classifications (1 of 4 stars). 21 submissions from 21 submitters: Pathogenic (6); Likely pathogenic (5); Uncertain significance (8). 2 of the submissions do not count toward it. Last evaluated 2026-06-25.

Conditions:
Autosomal dominant and autosomal recessive STUB1-related disorders.
Inborn genetic diseases. Identifiers: MedGen C0950123, MeSH D030342.
Spinocerebellar ataxia 48. Identifiers: Orphanet 631103, MedGen C4748158, MONDO:0032526, OMIM 618093.
Autosomal recessive spinocerebellar ataxia 16. Identifiers: Orphanet 412057, MedGen C5190574, MONDO:0014339, OMIM 615768.
STUB1-related disorder. Also called: STUB1-related condition.

Allele frequency attached by ClinVar (database versions not stated): 1000 Genomes Project 0.00060; 1000 Genomes Project 30x 0.00078; ESP Exome Variant Server 0.00054; gnomAD exomes 0.00054 and 0.00059; TOPMed 0.00054; gnomAD 0.00063 and 0.00064; ExAC 0.00070.
gnomAD v4.1: 868 of 1,612,570 alleles (0.054%); highest among the groups gnomAD compares: Non-Finnish European, 0.053%; 2 homozygotes.

Submissions 1 to 9 of 21:

Women's Health and Genetics/Laboratory Corporation of America, LabCorp
Classification: Uncertain significance. Last evaluated: 2026-06-25. Review status: criteria provided, single submitter. Criteria: LabCorp Variant Classification Summary - May 2015. Collection method: clinical testing. Allele origin: germline.
Comment: Variant summary: STUB1 c.433A>C (p.Lys145Gln) results in a conservative amino acid change located in the CHIP N-terminal tetratricopeptide repeat domain (IPR041312) of the encoded protein sequence. Algorithms developed to predict the effect of missense changes on protein structure and function are either unavailable or do not agree on the potential impact of this missense change. The variant allele was found at a frequency of 0.00054 in 1612570 control chromosomes in the gnomAD database, including 2 homozygotes. c.433A>C has been reported in the literature in multiple compound heterozygous individuals affected with Autosomal Recessive Spinocerebellar Ataxia 16, some with known pathogenic/likely pathogenic variants in trans (e.g. Depondt_2014, Hayer_2017, Coutelier_2017, Sun_2019, Chiu_2020, Ravel_2021, Cheng_2021). However, publications report experimental evidence evaluating an impact on protein function, showing no damaging effect of this variant (Pakdaman_2017, Kanack_2018). The following publications have been ascertained in the context of this evaluation (PMID: 34663476, 32367277, 28444220, 24719489, 28193273, 29317501, 28396517, 33417001, 29915382, 41315541). ClinVar contains an entry for this variant (Variation ID: 212325). Based on the evidence outlined above, the variant was classified as VUS-possibly pathogenic.

GeneDx
Classification: Likely pathogenic. Last evaluated: 2026-05-13. Review status: criteria provided, single submitter. Criteria: GeneDx Variant Classification Process June 2021. Collection method: clinical testing. Allele origin: germline.
Comment: Published functional studies demonstrate only a mild functional effect (PMID: 29317501, 28396517); In silico analysis supports that this missense variant has a deleterious effect on protein structure/function; This variant is associated with the following publications: (PMID: 25363768, 24719489, 28396517, 34426522, 34011629, 34445196, 34234304, 28193273, 33417001, 34758253, 34663476, 32367277, 29915382, 33097556, 36853170, 28444220, 28193272, 29317501)

Labcorp Genetics (formerly Invitae), Labcorp
Classification: Uncertain significance. Last evaluated: 2025-11-25. Review status: criteria provided, single submitter. Criteria: Invitae Variant Classification Sherloc (09022015). Collection method: clinical testing. Allele origin: germline.
Comment: This sequence change replaces lysine, which is basic and polar, with glutamine, which is neutral and polar, at codon 145 of the STUB1 protein (p.Lys145Gln). This variant is present in population databases (rs146251364, gnomAD 0.1%), including at least one homozygous and/or hemizygous individual. This missense change has been observed in individual(s) with clinical features of autosomal recessive spinocerebellar ataxia (PMID: 24719489, 28193272, 28193273, 28444220, 29915382, 32367277, 33417001, 34663476). It has also been observed to segregate with disease in related individuals. ClinVar contains an entry for this variant (Variation ID: 212325). Invitae Evidence Modeling of protein sequence and biophysical properties (such as structural, functional, and spatial information, amino acid conservation, physicochemical variation, residue mobility, and thermodynamic stability) indicates that this missense variant is not expected to disrupt STUB1 protein function with a negative predictive value of 80%. Experimental studies have shown that this missense change does not substantially affect STUB1 function (PMID: 28396517, 29317501). In summary, the available evidence is currently insufficient to determine the role of this variant in disease. Therefore, it has been classified as a Variant of Uncertain Significance.

First Genomix Gene Laboratory, Genetic Diagnostics Department
Classification: Pathogenic for Autosomal recessive spinocerebellar ataxia 16. Last evaluated: 2025-09-18. Review status: criteria provided, single submitter. Criteria: ACMG Guidelines, 2015. Collection method: clinical testing. Allele origin: germline. Inheritance: Autosomal recessive inheritance. Affected: no. Observed: 1 variant allele.

Variantyx, Inc.
Classification: Likely pathogenic for Autosomal dominant and autosomal recessive STUB1-related disorders. Last evaluated: 2025-03-06. Review status: criteria provided, single submitter. Criteria: Variantyx Assertion Criteria 2022. Collection method: clinical testing. Allele origin: germline.
Comment: This is a nonsynonymous variant in the STUB1 gene (OMIM: 607207). Pathogenic variants in this gene have been associated with autosomal dominant and autosomal recessive STUB1-related disorders. This variant has been identified in the homozygous or compound heterozygous state in one or more of the following: the current proband, in several individuals from the published literature (PMID: 24719489, 33417001, 32367277, 34663476, 34234304), or previous internal cases (PM3_Strong). Multiple computational algorithms predict a deleterious effect for this variant (REVEL score: 0.677) (PP3). This variant has a 0.0531% maximum allele frequency in non-founder control populations (PM2_Supporting). Based on the current evidence, this variant is classified as likely pathogenic for autosomal recessive spinocerebellar ataxia 16.

Blueprint Genetics
Classification: Likely pathogenic for STUB1-related disorders. Last evaluated: 2024-11-20. Review status: criteria provided, single submitter. Criteria: ACMG Guidelines, 2015. Collection method: clinical testing. Allele origin: germline. Affected: yes. Observed: 5 variant alleles.

Kariminejad - Najmabadi Pathology & Genetics Center
Classification: Uncertain significance for Spinocerebellar ataxia 48. Last evaluated: 2024-07-17. Review status: criteria provided, single submitter. Criteria: ACMG Guidelines, 2015. Collection method: clinical testing. Allele origin: germline. Inheritance: Autosomal recessive inheritance. Affected: yes.
Comment: PM2_Supporting,PP5_Moderate,PM1

Ambry Genetics
Classification: Uncertain significance for Inborn genetic diseases. Last evaluated: 2023-11-01. Review status: criteria provided, single submitter. Criteria: Ambry Variant Classification Scheme 2023. Collection method: clinical testing. Allele origin: germline.
Comment: The c.433A>C (p.K145Q) alteration is located in exon 3 (coding exon 3) of the STUB1 gene. This alteration results from a A to C substitution at nucleotide position 433, causing the lysine (K) at amino acid position 145 to be replaced by a glutamine (Q). This alteration has been reported in multiple individuals with features of STUB1-related spinocerebellar ataxia (Benkirane, 2021; Coutelier, 2017; Sun, 2019). Functional analysis demonstrated reduced CHIP protein levels in cortical neurons derived from patient fibroblasts containing c.433A>C (p.K145Q) and c.728C>T (p.P243L) in the compound heterozygote state (Schuster, 2020). Based on insufficient or conflicting evidence, the clinical significance of this alteration remains unclear.

Neuberg Centre For Genomic Medicine, NCGM
Classification: Uncertain significance for Autosomal recessive spinocerebellar ataxia 16. Last evaluated: 2023-05-20. Review status: criteria provided, single submitter. Criteria: ACMG Guidelines, 2015. Collection method: clinical testing. Allele origin: germline. Inheritance: Autosomal recessive inheritance. Affected: yes.
Comment: The observed missense variant c.433A>C(p.Lys145Gln) in STUB1 gene has been reported previously in homozygous state in individuals with clinical features of autosomal recessive Spinocerebellar ataxia (Ravel JM, et al., 2021, Schuster S, et al., 2020). Experimental studies have shown that this missense change does not substantially affect STUB1 function (Kanack AJ, et al., 2018). The c.433A>C variant has 0.01% allele frequency in gnomAD Exomes. This variant has been submitted to the ClinVar database as Pathogenic/ Likely Pathogenic/ Uncertain Significance. The amino acid Lysine at position 145 is changed to a Glutamine changing protein sequence and it might alter its composition and physico-chemical properties. Multiple lines of computational evidence (Polyphen, SIFT and Mutation Taster) predict a damaging effect on protein structure and function for this variant. The amino acid change p.Lys145Gln in STUB1 is predicted as conserved by GERP++ and PhyloP across 100 vertebrates. For these reasons, this variant has been classified as Uncertain Significance. In the absence of another reportable variant, the molecular diagnosis is not confirmed.

NM_005861.4(STUB1):c.433A>C (p.Lys145Gln)

Gene: STUB1 (STIP1 homology and U-box containing protein 1; plus strand). Cytogenetic location: 16p13.3.
Variant type: single nucleotide variant.
Coding change: c.433A>C on transcript NM_005861.4 (MANE Select); coding-DNA position 433, A replaced by C.
Protein change: p.Lys145Gln; replaces lysine 145 with glutamine.
Molecular consequence: missense variant.
Genome position (GRCh38, 1-based): chr16:681,512, A>C. VCF-style: chr16-681512-A-C. GRCh37 (hg19) VCF-style: chr16-731512-A-C.
Other names: STUB1, LYS145GLN (rs146251364); c.217A>C, p.Lys73Gln (NM_001293197.2); c.433A>C (NM_005861.3); short protein forms K145Q, K73Q.
Identifiers: ClinVar variation 212325 (VCV000212325.39), dbSNP rs146251364, ClinGen allele CA209422.